The following is an entry in ClinVar:

NC_000023.11:g.(?_123885637)_(123907201_?)del

Gene: XIAP (X-linked inhibitor of apoptosis; plus strand). Cytogenetic location: Xq25.
Variant type: Deletion.
Identifiers: ClinVar variation 831298 (VCV000831298.1).

ClinVar aggregate classification (germline): Pathogenic (1 of 4 stars; one submission).

Conditions:
X-linked lymphoproliferative disease due to XIAP deficiency. Also called: XIAP DEFICIENCY; XIAP-Related Lymphoproliferative Disease, X-Linked. Identifiers: Orphanet 2442, Orphanet 538934, MedGen C1845076, MONDO:0010385, OMIM 300635.

Submission:

Labcorp Genetics (formerly Invitae), Labcorp
Classification: Pathogenic for Lymphoproliferative syndrome 2, X-linked. Last evaluated: 2019-12-02. Review status: criteria provided, single submitter. Criteria: Invitae Variant Classification Sherloc (09022015). Collection method: clinical testing. Allele origin: germline.
Comment: A gross deletion of the genomic region encompassing the full coding sequence of the XIAP gene has been identified. The boundaries of this event are unknown as the deletion extends beyond the assayed region for this gene and therefore may encompass additional genes. This variant has been observed in individual(s) with very early onset inflammatory bowel disease (PMID: 26581487). In at least one individual the variant was observed to be de novo. Loss-of-function variants in XIAP are known to be pathogenic (PMID: 17080092, 21119115, 25666262). For these reasons, this variant has been classified as Pathogenic.

Literature cited by the submitters: PubMed 26581487.